The following is an entry in ClinVar:

ClinVar aggregate classification (germline): Conflicting classifications of pathogenicity. Review status: criteria provided, conflicting classifications (1 of 4 stars). 5 submissions from 4 submitters: Uncertain significance (4); Likely benign (1). Last evaluated 2024-06-09.

Conditions:
Meckel-Gruber syndrome. Also called: Dysencephalia splachnocystica; DYSENCEPHALIA SPLANCHNOCYSTICA; GRUBER SYNDROME. Identifiers: Orphanet 564, MedGen C0265215, MONDO:0018921.
Joubert syndrome. Also called: Familial aplasia of the vermis; JOUBERT-BOLTSHAUSER SYNDROME. Identifiers: Orphanet 475, MedGen C5979921, MONDO:0018772.
Meckel syndrome, type 6. Identifiers: Orphanet 564, MedGen C2676790, MONDO:0012848, OMIM 612284.
Joubert syndrome 9 (JBTS9). Identifiers: Orphanet 2318, MedGen C2676788, MONDO:0012849, OMIM 612285.
Retinitis pigmentosa 93. Identifiers: MedGen C5676970, MONDO:0030797, OMIM 619845.
COACH syndrome 2. Identifiers: MedGen C5436837, MONDO:0030859, OMIM 619111.

Allele frequency attached by ClinVar (database versions not stated): ExAC 0.00001; gnomAD exomes 0.00001 and 0.00006; gnomAD 0.00002; TOPMed 0.00002.
gnomAD v4.1: 90 of 1,609,574 alleles (0.0056%); highest among the groups gnomAD compares: Non-Finnish European, 0.0076%; no homozygotes.

Submissions (5):

Fulgent Genetics
Classification: Uncertain significance for Meckel syndrome, type 6; Joubert syndrome 9; COACH syndrome 2; Retinitis pigmentosa 93. Last evaluated: 2024-06-09. Review status: criteria provided, single submitter. Criteria: ACMG Guidelines, 2015. Collection method: clinical testing. Allele origin: germline.

Blueprint Genetics
Classification: Likely benign. Last evaluated: 2024-03-06. Review status: criteria provided, single submitter. Criteria: ACMG Guidelines, 2015. Collection method: clinical testing. Allele origin: germline.

Labcorp Genetics (formerly Invitae), Labcorp
Classification: Uncertain significance for Joubert syndrome; Meckel-Gruber syndrome. Last evaluated: 2022-05-09. Review status: criteria provided, single submitter. Criteria: Invitae Variant Classification Sherloc (09022015). Collection method: clinical testing. Allele origin: germline.
Comment: This sequence change replaces threonine, which is neutral and polar, with serine, which is neutral and polar, at codon 1341 of the CC2D2A protein (p.Thr1341Ser). This variant is present in population databases (rs745599580, gnomAD 0.003%). This variant has not been reported in the literature in individuals affected with CC2D2A-related conditions. ClinVar contains an entry for this variant (Variation ID: 899992). Algorithms developed to predict the effect of missense changes on protein structure and function output the following: SIFT: "Tolerated"; PolyPhen-2: "Benign"; Align-GVGD: "Class C0". The serine amino acid residue is found in multiple mammalian species, which suggests that this missense change does not adversely affect protein function. Algorithms developed to predict the effect of sequence changes on RNA splicing suggest that this variant may create or strengthen a splice site. In summary, the available evidence is currently insufficient to determine the role of this variant in disease. Therefore, it has been classified as a Variant of Uncertain Significance.

Illumina Laboratory Services, Illumina
Classification: Uncertain significance for Joubert syndrome 9. Last evaluated: 2018-01-13. Review status: criteria provided, single submitter. Criteria: ICSL Variant Classification Criteria 13 December 2019. Collection method: clinical testing. Allele origin: germline.

Illumina Laboratory Services, Illumina
Classification: Uncertain significance for Meckel syndrome, type 6. Last evaluated: 2018-01-13. Review status: criteria provided, single submitter. Criteria: ICSL Variant Classification Criteria 13 December 2019. Collection method: clinical testing. Allele origin: germline.

NM_001378615.1(CC2D2A):c.4022C>G (p.Thr1341Ser)

Genes: FBXL5 (F-box and leucine rich repeat protein 5; minus strand), CC2D2A (coiled-coil and C2 domain containing 2A; plus strand). Cytogenetic location: 4p15.32.
Variant type: single nucleotide variant.
Coding change: c.4022C>G on transcript NM_001378615.1 (MANE Select); coding-DNA position 4022, C replaced by G.
Protein change: p.Thr1341Ser; replaces threonine 1341 with serine.
Molecular consequence: missense variant.
Genome position (GRCh38, 1-based): chr4:15,586,203, C>G. VCF-style: chr4-15586203-C-G. GRCh37 (hg19) VCF-style: chr4-15587826-C-G.
Other names: c.4022C>G, p.Thr1341Ser (NM_001080522.2); c.3875C>G, p.Thr1292Ser (NM_001378617.1); short protein forms T1292S, T1341S.
Identifiers: ClinVar variation 899992 (VCV000899992.13), dbSNP rs745599580, ClinGen allele CA2864286.